The following is an entry in ClinVar:

NM_000136.3(FANCC):c.343C>G (p.Gln115Glu)

Gene: FANCC (FA complementation group C; minus strand). Cytogenetic location: 9q22.32.
Variant type: single nucleotide variant.
Coding change: c.343C>G on transcript NM_000136.3 (MANE Select); coding-DNA position 343, C replaced by G.
Protein change: p.Gln115Glu; replaces glutamine 115 with glutamic acid.
Molecular consequence: missense variant.
Genome position (GRCh38, 1-based): chr9:95,240,651, G>C on the plus strand (C>G on the coding strand, the complement: FANCC is on the minus strand). VCF-style: chr9-95240651-G-C. GRCh37 (hg19) VCF-style: chr9-98002933-G-C.
Other names: c.343C>G, p.Gln115Glu (NM_001243743.2, NM_001243744.2); short protein forms Q115E.
Identifiers: ClinVar variation 3277657 (VCV003277657.2).

ClinVar aggregate classification (germline): Uncertain significance (1 of 4 stars; one submission).

Conditions:
Hereditary cancer-predisposing syndrome. Also called: Neoplastic Syndromes, Hereditary; Tumor predisposition; Hereditary Cancer Syndrome; Hereditary neoplastic syndrome. Identifiers: Orphanet 140162, MedGen C0027672, MeSH D009386, MONDO:0015356.

Submission:

Ambry Genetics
Classification: Uncertain significance for Hereditary cancer-predisposing syndrome. Last evaluated: 2026-04-11. Review status: criteria provided, single submitter. Criteria: Ambry Variant Classification Scheme 2023. Collection method: clinical testing. Allele origin: germline.
Comment: The p.Q115E variant (also known as c.343C>G), located in coding exon 3 of the FANCC gene, results from a C to G substitution at nucleotide position 343. The glutamine at codon 115 is replaced by glutamic acid, an amino acid with highly similar properties. This amino acid position is conserved. In addition, this alteration is predicted to be tolerated by in silico analysis. Based on the available evidence, the clinical significance of this variant remains unclear.